The following is an entry in ClinVar:

ClinVar aggregate classification (germline): Uncertain significance. Review status: criteria provided, multiple submitters, no conflicts (2 of 4 stars). 2 submissions from 2 submitters: Uncertain significance (2). Last evaluated 2025-06-06.

Conditions:
Cardiovascular phenotype. Identifiers: MedGen CN230736.
Long QT syndrome (LQTS). Identifiers: MedGen C0023976, MeSH D008133, MONDO:0002442. Disease mechanism: loss of function. Inheritance: Various modes of inheritance.

Submissions (2):

Labcorp Genetics (formerly Invitae), Labcorp
Classification: Uncertain significance for Long QT syndrome. Last evaluated: 2025-06-06. Review status: criteria provided, single submitter. Criteria: Invitae Variant Classification Sherloc (09022015). Collection method: clinical testing. Allele origin: germline.
Comment: This sequence change replaces threonine, which is neutral and polar, with methionine, which is neutral and non-polar, at codon 174 of the KCNH2 protein (p.Thr174Met). This variant is not present in population databases (gnomAD no frequency). This variant has not been reported in the literature in individuals affected with KCNH2-related conditions. ClinVar contains an entry for this variant (Variation ID: 1746153). An algorithm developed to predict the effect of missense changes on protein structure and function (PolyPhen-2) suggests that this variant is likely to be disruptive. In summary, the available evidence is currently insufficient to determine the role of this variant in disease. Therefore, it has been classified as a Variant of Uncertain Significance.

Ambry Genetics
Classification: Uncertain significance for Cardiovascular phenotype. Last evaluated: 2022-10-20. Review status: criteria provided, single submitter. Criteria: Ambry Variant Classification Scheme 2023. Collection method: clinical testing. Allele origin: germline.
Comment: The p.T174M variant (also known as c.521C>T), located in coding exon 4 of the KCNH2 gene, results from a C to T substitution at nucleotide position 521. The threonine at codon 174 is replaced by methionine, an amino acid with similar properties. This amino acid position is well conserved in available vertebrate species. In addition, the in silico prediction for this alteration is inconclusive. Since supporting evidence is limited at this time, the clinical significance of this alteration remains unclear.

Literature cited by the submitters: PubMed 26743238 (cited by Ambry Genetics).

NM_000238.4(KCNH2):c.521C>T (p.Thr174Met)

Gene: KCNH2 (potassium voltage-gated channel subfamily H member 2; minus strand). Cytogenetic location: 7q36.1.
Variant type: single nucleotide variant.
Coding change: c.521C>T on transcript NM_000238.4 (MANE Select); coding-DNA position 521, C replaced by T.
Protein change: p.Thr174Met; replaces threonine 174 with methionine.
Molecular consequence: missense variant.
Genome position (GRCh38, 1-based): chr7:150,958,454, G>A on the plus strand (C>T on the coding strand, the complement: KCNH2 is on the minus strand). VCF-style: chr7-150958454-G-A. GRCh37 (hg19) VCF-style: chr7-150655542-G-A.
Other names: c.521C>T, p.Thr174Met (NM_172056.3); c.233C>T, p.Thr78Met (NM_001406753.1, NM_001406756.1); c.344C>T, p.Thr115Met (NM_001406755.1); c.221C>T, p.Thr74Met (NM_001406757.1); short protein forms T78M, T115M, T174M, T74M.
Identifiers: ClinVar variation 1746153 (VCV001746153.5), dbSNP rs2486094788, ClinGen allele CA369863445.